The following is an entry in ClinVar:

NM_001303256.3(MORC2):c.2630C>T (p.Ala877Val)

Gene: MORC2 (MORC family CW-type zinc finger 2; minus strand). Cytogenetic location: 22q12.2.
Variant type: single nucleotide variant.
Coding change: c.2630C>T on transcript NM_001303256.3 (MANE Select); coding-DNA position 2630, C replaced by T.
Protein change: p.Ala877Val; replaces alanine 877 with valine.
Molecular consequence: missense variant.
Genome position (GRCh38, 1-based): chr22:30,932,662, G>A on the plus strand (C>T on the coding strand, the complement: MORC2 is on the minus strand). VCF-style: chr22-30932662-G-A. GRCh37 (hg19) VCF-style: chr22-31328649-G-A.
Other names: c.2630C>T, p.Ala877Val (NM_001303257.2); c.2444C>T, p.Ala815Val (NM_014941.3); short protein forms A877V, A815V.
Identifiers: ClinVar variation 653078 (VCV000653078.7), dbSNP rs1602477856, ClinGen allele CA411231917.

ClinVar aggregate classification (germline): Uncertain significance (1 of 4 stars; one submission).

Conditions:
Charcot-Marie-Tooth disease axonal type 2Z. Also called: CHARCOT-MARIE-TOOTH DISEASE, AXONAL, AUTOSOMAL DOMINANT, TYPE 2Z; CHARCOT-MARIE-TOOTH NEUROPATHY, TYPE 2Z. Identifiers: Orphanet 466768, MedGen C5569025, MONDO:0014736, OMIM 616688.

Allele frequency attached by ClinVar (database versions not stated): gnomAD exomes below 0.00001.
gnomAD v4.1: 2 of 1,614,208 alleles (0.00012%); highest among the groups gnomAD compares: Middle Eastern, 0.016%; no homozygotes.

Submission:

Labcorp Genetics (formerly Invitae), Labcorp
Classification: Uncertain significance for Charcot-Marie-Tooth disease axonal type 2Z. Last evaluated: 2018-09-13. Review status: criteria provided, single submitter. Criteria: Invitae Variant Classification Sherloc (09022015). Collection method: clinical testing. Allele origin: germline.
Comment: Algorithms developed to predict the effect of missense changes on protein structure and function output the following: SIFT: "Tolerated"; PolyPhen-2: "Benign"; Align-GVGD: "Class C0". The valine amino acid residue is found in multiple mammalian species, suggesting that this missense change does not adversely affect protein function. These predictions have not been confirmed by published functional studies and their clinical significance is uncertain. This variant has not been reported in the literature in individuals with MORC2-related disease. This variant is not present in population databases (ExAC no frequency). This sequence change replaces alanine with valine at codon 815 of the MORC2 protein (p.Ala815Val). The alanine residue is weakly conserved and there is a small physicochemical difference between alanine and valine. In summary, the available evidence is currently insufficient to determine the role of this variant in disease. Therefore, it has been classified as a Variant of Uncertain Significance.